The following is an entry in ClinVar:

ClinVar aggregate classification (germline): Likely pathogenic (1 of 4 stars; one submission).

Conditions:
Familial cancer of breast. Also called: Hereditary breast cancer; BREAST CANCER, FAMILIAL; hereditary breast carcinoma. Identifiers: Orphanet 227535, MedGen C0346153, MONDO:0016419, OMIM 114480. Disease mechanism: loss of function.

Submission:

Neuberg Centre For Genomic Medicine, NCGM
Classification: Likely pathogenic for Familial cancer of breast. Last evaluated: 2023-02-14. Review status: criteria provided, single submitter. Criteria: ACMG Guidelines, 2015. Collection method: clinical testing. Allele origin: germline. Inheritance: Autosomal dominant inheritance. Affected: yes.
Comment: The frameshift c.1298del (p.Pro433ArgfsTer10) variant in the RAD54L gene has not been reported previously as a pathogenic variant nor as a benign variant, to our knowledge. This variant is reported with the allele frequency (0.003%) in the gnomAD Exomes and novel in 1000. This variant causes a frameshift starting with codon Proline 433, changes this amino acid to Arginine residue, and creates a premature Stop codon at position 10 of the new reading frame, denoted p.Pro433ArgfsTer10. This variant is predicted to cause loss of normal protein function through protein truncation. Loss of function variants have been previously reported to be disease causing. For these reasons, this variant has been classified as Likely Pathogenic.

NM_003579.4(RAD54L):c.1298del (p.Pro433fs)

Gene: RAD54L (RAD54 like; plus strand). Cytogenetic location: 1p34.1.
Variant type: Deletion.
Coding change: c.1298del on transcript NM_003579.4 (MANE Select); coding-DNA position 1298, one base deleted (C; older notation c.1298delC).
Protein change: p.Pro433fs; shifts the reading frame from proline 433.
Molecular consequence: frameshift variant.
Genome position (GRCh38, 1-based): chr1:46,272,725, C deleted; the last of 2 consecutive C bases (chr1:46,272,724-46,272,725); deleting either gives the same sequence. VCF-style (leftmost placement, unchanged base first): chr1-46272723-AC-A. GRCh37 (hg19) VCF-style: chr1-46738395-AC-A.
Other names: c.1298del, p.Pro433fs (NM_001142548.2); c.758del, p.Pro253fs (NM_001370766.1); short protein forms P253fs, P433fs.
Identifiers: ClinVar variation 2671642 (VCV002671642.1), dbSNP rs776226854, ClinGen allele CA834563.